The following is an entry in ClinVar:

NM_020831.6(MRTFA):c.1972_1974del (p.Glu658del)

Gene: MRTFA (myocardin related transcription factor A; minus strand). Cytogenetic location: 22q13.1.
Variant type: Deletion.
Coding change: c.1972_1974del on transcript NM_020831.6 (MANE Select); coding-DNA positions 1972 to 1974, 3 bases deleted (GAG; older notation c.1972_1974delGAG).
Protein change: p.Glu658del; deletes glutamic acid 658.
Molecular consequence: inframe deletion.
Genome position (GRCh38, 1-based): chr22:40,418,764-40,418,766, CTC deleted on the plus strand (GAG on the coding strand, the reverse complement: MRTFA is on the minus strand); deleting any 3 consecutive bases within chr22:40,418,764-40,418,768 gives the same sequence; the c. name uses the placement nearest the transcript's 3' end. VCF-style (leftmost placement, unchanged base first): chr22-40418763-TCTC-T. GRCh37 (hg19) VCF-style: chr22-40814767-TCTC-T.
Other names: c.1672_1674del, p.Glu558del (NM_001282660.2); c.1822_1824del, p.Glu608del (NM_001282661.3); c.1972_1974del, p.Glu658del (NM_001282662.3); c.1777_1779del, p.Glu593del (NM_001318139.2); short protein forms E593del, E608del, E558del, E658del.
Identifiers: ClinVar variation 2764996 (VCV002764996.3), dbSNP rs1473743257, ClinGen allele CA639825194.

ClinVar aggregate classification (germline): Uncertain significance (1 of 4 stars; one submission).

Submission:

Labcorp Genetics (formerly Invitae), Labcorp
Classification: Uncertain significance. Last evaluated: 2025-03-17. Review status: criteria provided, single submitter. Criteria: Invitae Variant Classification Sherloc (09022015). Collection method: clinical testing. Allele origin: germline.
Comment: This variant, c.1672_1674del, results in the deletion of 1 amino acid(s) of the MKL1 protein (p.Glu558del), but otherwise preserves the integrity of the reading frame. This variant is present in population databases (no rsID available, gnomAD 0.004%). This variant has not been reported in the literature in individuals affected with MKL1-related conditions. ClinVar contains an entry for this variant (Variation ID: 2764996). Experimental studies and prediction algorithms are not available or were not evaluated, and the functional significance of this variant is currently unknown. In summary, the available evidence is currently insufficient to determine the role of this variant in disease. Therefore, it has been classified as a Variant of Uncertain Significance.